The following is an entry in ClinVar:

NM_000455.5(STK11):c.747C>T (p.Thr249=)

Gene: STK11 (serine/threonine kinase 11; plus strand). Cytogenetic location: 19p13.3.
Variant type: single nucleotide variant.
Coding change: c.747C>T on transcript NM_000455.5 (MANE Select); coding-DNA position 747, C replaced by T.
Protein change: p.Thr249=; no amino-acid change (threonine 249 retained).
Molecular consequence: synonymous variant.
Genome position (GRCh38, 1-based): chr19:1,221,225, C>T. VCF-style: chr19-1221225-C-T. GRCh37 (hg19) VCF-style: chr19-1221224-C-T.
Identifiers: ClinVar variation 458061 (VCV000458061.27), dbSNP rs759546076, ClinGen allele CA048913.

ClinVar aggregate classification (germline): Benign/Likely benign. Review status: criteria provided, multiple submitters, no conflicts (2 of 4 stars). 9 submissions from 9 submitters: Benign (2); Likely benign (7). Last evaluated 2025-11-05.

Conditions:
Hereditary cancer-predisposing syndrome. Also called: Hereditary Cancer Syndrome; Hereditary neoplastic syndrome; Tumor predisposition; Neoplastic Syndromes, Hereditary. Identifiers: Orphanet 140162, MedGen C0027672, MeSH D009386, MONDO:0015356.
Melanoma, cutaneous malignant, susceptibility to, 1 (CMM1). Also called: B-K MOLE SYNDROME; MELANOMA, MALIGNANT; DYSPLASTIC NEVUS SYNDROME, HEREDITARY; FAMILIAL ATYPICAL MOLE-MALIGNANT MELANOMA SYNDROME. Identifiers: Orphanet 618, MedGen C1835047, MONDO:0007963, OMIM 155600.
Carcinoma of pancreas. Also called: PANCREATIC ACINAR CARCINOMA; PANCREATIC CARCINOMA; Exocrine pancreatic carcinoma; Pancreatic cancer, somatic; Pancreatic carcinoma, somatic. Identifiers: Orphanet 1333, Orphanet 217074, MedGen C0235974, MONDO:0005192. Disease mechanism: loss of function.
Peutz-Jeghers syndrome (PJS). Also called: POLYPOSIS, HAMARTOMATOUS INTESTINAL; POLYPS-AND-SPOTS SYNDROME; Peutz-Jeghers polyposis; Periorificial lentiginosis syndrome. Identifiers: Orphanet 2869, MedGen C0031269, MeSH D010580, MONDO:0008280, OMIM 175200.
Germ cell tumor of testis (TGCT). Also called: GERM CELL TUMOR, SOMATIC; Testicular germ cell tumor. Identifiers: Orphanet 363504, MedGen C1336708, MONDO:0010108, OMIM 273300.

Allele frequency attached by ClinVar (database versions not stated): ExAC 0.00001; TOPMed 0.00002.
gnomAD v4.1: 65 of 1,612,410 alleles (0.004%); highest among the groups gnomAD compares: Non-Finnish European, 0.0053%; no homozygotes.

Submissions (9):

Labcorp Genetics (formerly Invitae), Labcorp
Classification: Likely benign for Peutz-Jeghers syndrome. Last evaluated: 2025-11-05. Review status: criteria provided, single submitter. Criteria: Invitae Variant Classification Sherloc (09022015). Collection method: clinical testing. Allele origin: germline.

Myriad Genetics, Inc.
Classification: Benign for Peutz-Jeghers syndrome. Last evaluated: 2025-03-27. Review status: criteria provided, single submitter. Criteria: Myriad Autosomal Dominant, Autosomal Recessive and X-Linked Classification Criteria (2023). Collection method: clinical testing. Allele origin: unknown.
Comment: This variant is considered benign. This variant is a silent/synonymous amino acid change and it is not expected to impact splicing.

Center for Genomic Medicine, Rigshospitalet, Copenhagen University Hospital
Classification: Likely benign. Last evaluated: 2025-03-04. Review status: criteria provided, single submitter. Criteria: ACMG Guidelines, 2015. Collection method: clinical testing. Allele origin: germline.

All of Us Research Program, National Institutes of Health
Classification: Likely benign for Peutz-Jeghers syndrome. Last evaluated: 2024-02-05. Review status: criteria provided, single submitter. Criteria: ACMG Guidelines, 2015. Collection method: clinical testing. Allele origin: germline. Inheritance: Autosomal dominant inheritance. Observed: 6 variant alleles, 6 heterozygotes.
Comment: This study involves interpretation of variants in research participants for the purpose of population health screening. Participant phenotype was not available at the time of variant classification. Additional details can be found in publication PMID: 35346344, PMCID: PMC8962531

Fulgent Genetics
Classification: Likely benign for Melanoma, cutaneous malignant, susceptibility to, 1; Peutz-Jeghers syndrome; Familial pancreatic carcinoma; Germ cell tumor of testis. Last evaluated: 2022-01-08. Review status: criteria provided, single submitter. Criteria: ACMG Guidelines, 2015. Collection method: clinical testing. Allele origin: unknown.

Genome-Nilou Lab
Classification: Likely benign for Peutz-Jeghers syndrome. Last evaluated: 2021-07-15. Review status: criteria provided, single submitter. Criteria: ACMG Guidelines, 2015. Collection method: clinical testing. Allele origin: germline. Affected: no.

Color Diagnostics, LLC DBA Color Health
Classification: Likely benign for Hereditary cancer-predisposing syndrome. Last evaluated: 2017-04-06. Review status: criteria provided, single submitter. Criteria: ACMG Guidelines, 2015. Collection method: clinical testing. Allele origin: germline.

Ambry Genetics
Classification: Likely benign for Hereditary cancer-predisposing syndrome. Last evaluated: 2015-12-07. Review status: criteria provided, single submitter. Criteria: Ambry Variant Classification Scheme 2023. Collection method: clinical testing. Allele origin: germline.

GeneDx
Classification: Benign. Last evaluated: 2015-03-03. Review status: criteria provided, single submitter. Criteria: GeneDx Variant Classification Process June 2021. Collection method: clinical testing. Allele origin: germline. Affected: yes.